The following is an entry in ClinVar:

NM_004431.5(EPHA2):c.1797G>C (p.Gln599His)

Gene: EPHA2 (EPH receptor A2; minus strand). Cytogenetic location: 1p36.13.
Variant type: single nucleotide variant.
Coding change: c.1797G>C on transcript NM_004431.5 (MANE Select); coding-DNA position 1797, G replaced by C.
Protein change: p.Gln599His; replaces glutamine 599 with histidine.
Molecular consequence: missense variant.
Genome position (GRCh38, 1-based): chr1:16,133,548, C>G on the plus strand (G>C on the coding strand, the complement: EPHA2 is on the minus strand). VCF-style: chr1-16133548-C-G. GRCh37 (hg19) VCF-style: chr1-16460043-C-G.
Other names: c.1635G>C, p.Gln545His (NM_001329090.2); short protein forms Q545H, Q599H.
Identifiers: ClinVar variation 4977571 (VCV004977571.1).
Genomic context (GRCh38, chr1:16,133,548, plus strand): 5'-GATCACCTTCTGCCGAGTGACACAGGATGGATGGATCTCGGTAGTGAACTTCAACACAGC[C>G]TGGTTGGGGTCCTCATATGTGTGGGGGTCCACGTATGTCTTCAGGGGCTTCAGTTGTTCT-3'
Protein context (NP_004422.2, residues 589-609): VDPHTYEDPN[Gln599His]AVLKFTTEIH

ClinVar aggregate classification (germline): Uncertain significance (1 of 4 stars; one submission).

Conditions:
EPHA2-related disorder. Also called: EPHA2-related condition.

gnomAD v4.1: 1 of 1,613,958 alleles (0.000062%); highest among the groups gnomAD compares: African/African-American, 0.0013%; no homozygotes.

Submission:

PreventionGenetics, part of Exact Sciences
Classification: Uncertain significance for EPHA2-related condition. Last evaluated: 2024-12-06. Review status: criteria provided, single submitter. Criteria: ACMG Guidelines, 2015. Collection method: clinical testing. Allele origin: germline.
Comment: The EPHA2 c.1797G>C variant is predicted to result in the amino acid substitution p.Gln599His. To our knowledge, this variant has not been reported in the literature or in a large population database (gnomAD), indicating this variant is rare. At this time, the clinical significance of this variant is uncertain due to the absence of conclusive functional and genetic evidence.